The following is an entry in ClinVar:

NM_003982.4(SLC7A7):c.1429+1G>C

Gene: SLC7A7 (solute carrier family 7 member 7; minus strand). Cytogenetic location: 14q11.2.
Variant type: single nucleotide variant.
Coding change: c.1429+1G>C on transcript NM_003982.4 (MANE Select); the canonical splice donor site of the intron after coding-DNA position 1429, G replaced by C.
Molecular consequence: splice donor variant.
Genome position (GRCh38, 1-based): chr14:22,773,932, C>G on the plus strand (G>C on the coding strand, the complement: SLC7A7 is on the minus strand). VCF-style: chr14-22773932-C-G. GRCh37 (hg19) VCF-style: chr14-23243141-C-G.
Other names: c.1429+1G>C (NM_001126106.4, NM_001126105.3, NM_003982.1).
Identifiers: ClinVar variation 2886233 (VCV002886233.4), dbSNP rs1354004604, ClinGen allele CA388921066.

ClinVar aggregate classification (germline): Pathogenic. Review status: criteria provided, multiple submitters, no conflicts (2 of 4 stars). 2 submissions from 2 submitters: Pathogenic (2). Last evaluated 2025-12-15.

Conditions:
Lysinuric protein intolerance (LPI). Identifiers: Orphanet 470, MedGen C0268647, MONDO:0009109, OMIM 222700.

Allele frequency attached by ClinVar (database versions not stated): gnomAD exomes below 0.00001.

Submissions (2):

Labcorp Genetics (formerly Invitae), Labcorp
Classification: Pathogenic for Lysinuric protein intolerance. Last evaluated: 2025-12-15. Review status: criteria provided, single submitter. Criteria: Invitae Variant Classification Sherloc (09022015). Collection method: clinical testing. Allele origin: germline.
Comment: This sequence change affects a donor splice site in intron 10 of the SLC7A7 gene. While this variant is not anticipated to result in nonsense mediated decay, it likely alters RNA splicing and results in a disrupted protein product. This variant is not present in population databases (gnomAD no frequency). Disruption of this splice site has been observed in individual(s) with lysinuric protein intolerance (Emtithal Aljishi. 2020. Journal of Biochemical and Clinical Genetics. Vol. 3). It has also been observed to segregate with disease in related individuals. ClinVar contains an entry for this variant (Variation ID: 2886233). Variants that disrupt the consensus splice site are a relatively common cause of aberrant splicing (PMID: 17576681, 9536098). Algorithms developed to predict the effect of sequence changes on RNA splicing suggest that this variant may disrupt the consensus splice site. For these reasons, this variant has been classified as Pathogenic.

Genomic Medicine Center of Excellence, King Faisal Specialist Hospital and Research Centre
Classification: Pathogenic for Lysinuric protein intolerance. Last evaluated: 2024-04-04. Review status: criteria provided, single submitter. Criteria: ACMG Guidelines, 2015. Collection method: clinical testing. Allele origin: germline.

Literature cited by the submitters: PubMed 17576681 (cited by Labcorp Genetics (formerly Invitae), Labcorp); PubMed 9536098 (cited by Labcorp Genetics (formerly Invitae), Labcorp).